The following is an entry in ClinVar:

NM_005811.5(GDF11):c.110_124dup (p.Ala41_Gly42insAlaAlaAlaAlaAla)

Gene: GDF11 (growth differentiation factor 11; plus strand). Cytogenetic location: 12q13.2.
Variant type: Duplication.
Coding change: c.110_124dup on transcript NM_005811.5 (MANE Select); coding-DNA positions 110 to 124, 15 bases duplicated (CGGCGGCAGCGGCGG).
Protein change: p.Ala41_Gly42insAlaAlaAlaAlaAla.
Genome position (GRCh38, 1-based): chr12:55,743,426-55,743,440, CGGCGGCAGCGGCGG duplicated; duplicating any 15 consecutive bases within chr12:55,743,419-55,743,440 gives the same sequence; the c. name uses the placement nearest the transcript's 3' end. VCF-style (leftmost placement, unchanged base first): chr12-55743418-G-GGCGGCGGCGGCGGCA. GRCh37 (hg19) VCF-style: chr12-56137202-G-GGCGGCGGCGGCGGCA.
Identifiers: ClinVar variation 3361363 (VCV003361363.1).
Genomic context (GRCh38, chr12:55,743,418, plus strand): 5'-CGCCCTGGAGCTGCGGCCCCGGGGGGAGGCGGCCGAGGGCCCCGCGGCGGCGGCGGCGGC[G>GGCGGCGGCGGCGGCA]GCGGCGGCGGCGGCAGCGGCGGGGGTCGGGGGGGAGCGCTCCAGCCGGCCAGCCCCGTCC-3'

ClinVar aggregate classification (germline): Uncertain significance (1 of 4 stars; one submission).

Submission:

GeneDx
Classification: Uncertain significance. Last evaluated: 2023-07-25. Review status: criteria provided, single submitter. Criteria: GeneDx Variant Classification Process June 2021. Collection method: clinical testing. Allele origin: germline. Affected: yes.
Comment: Not observed at significant frequency in large population cohorts (gnomAD); In-frame insertion of five amino acids in a repetitive region with no known function; Has not been previously published as pathogenic or benign to our knowledge